The following is an entry in ClinVar:

NM_000186.4(CFH):c.3148A>T (p.Asn1050Tyr)

Gene: CFH (complement factor H; plus strand). Cytogenetic location: 1q31.3.
Variant type: single nucleotide variant.
Coding change: c.3148A>T on transcript NM_000186.4 (MANE Select); coding-DNA position 3148, A replaced by T.
Protein change: p.Asn1050Tyr; replaces asparagine 1050 with tyrosine.
Molecular consequence: missense variant.
Genome position (GRCh38, 1-based): chr1:196,743,466, A>T. VCF-style: chr1-196743466-A-T. GRCh37 (hg19) VCF-style: chr1-196712596-A-T.
Other names: NC_000001.10:g.196712596A>T; p.Asn1050Tyr; short protein forms N1050Y.
Identifiers: ClinVar variation 294520 (VCV000294520.62), dbSNP rs35274867, ClinGen allele CA1305856.

ClinVar aggregate classification (germline): Benign/Likely benign. Review status: criteria provided, multiple submitters, no conflicts (2 of 4 stars). 18 submissions from 12 submitters: Benign (3); Likely benign (13). 2 of the submissions do not count toward it. Last evaluated 2026-04-01.

Conditions:
Age related macular degeneration 4. Identifiers: MedGen C1853147, MONDO:0012540, OMIM 610698.
Factor H deficiency (CFHD). Also called: CFH DEFICIENCY; COMPLEMENT FACTOR H DEFICIENCY. Identifiers: Orphanet 200421, MedGen C0398777, MONDO:0012350, OMIM 609814.
Basal laminar drusen. Also called: DRUSEN OF BRUCH MEMBRANE; DRUSEN, CUTICULAR; DRUSEN, EARLY ADULT-ONSET, GROUPED. Identifiers: Orphanet 75376, MedGen C0730295, MONDO:0007472, OMIM 126700.
Atypical hemolytic-uremic syndrome. Identifiers: Orphanet 2134, MedGen C2931788, MONDO:0016244.
Thrombotic microangiopathy. Identifiers: Orphanet 93573, MedGen C2717961, MeSH D057049, MONDO:0019737.
Hemolytic uremic syndrome, atypical, susceptibility to, 1. Also called: AHUS, SUSCEPTIBILITY TO, 1. Identifiers: Orphanet 2134, Orphanet 90038, MedGen C2749604, MONDO:0009335, OMIM 235400. Disease mechanism: Other.
CFH-Related Dense Deposit Disease / Membranoproliferative Glomerulonephritis Type II. Identifiers: MedGen CN071292.

Allele frequency attached by ClinVar (database versions not stated): 1000 Genomes Project 0.01418; gnomAD exomes 0.01432 and 0.01790; ExAC 0.01512; 1000 Genomes Project 30x 0.01593; gnomAD 0.01924 and 0.01982; TOPMed 0.02004; ESP Exome Variant Server 0.02407.

Submissions 1 to 27 of 84:

CeGaT Center for Human Genetics Tuebingen
Classification: Benign. Last evaluated: 2026-04-01. Review status: criteria provided, single submitter. Criteria: CeGaT Center For Human Genetics Tuebingen Variant Classification Criteria Version 2. Collection method: clinical testing. Allele origin: germline. Affected: yes. Observed: 25 variant alleles.
Comment: CFH: BP4, BS1, BS2

Women's Health and Genetics/Laboratory Corporation of America, LabCorp
Classification: Likely benign. Last evaluated: 2026-01-21. Review status: criteria provided, single submitter. Criteria: LabCorp Variant Classification Summary - May 2015. Collection method: clinical testing. Allele origin: germline.

Genomenon, Inc
Classification: Benign for Basal laminar drusen; Age related macular degeneration 4; Atypical hemolytic-uremic syndrome; Factor H deficiency. Last evaluated: 2025-10-02. Review status: criteria provided, single submitter. Criteria: Genomenon Sequence Variant Interpretation Standards - Updated. Collection method: curation. Allele origin: germline. Affected: no.
Comment: CFH p.Asn1050Tyr (c.3148A>T) is a missense variant that changes the amino acid at residue 1050 from Asparagine to Tyrosine. This variant is present at high allele frequency in population databases. In conclusion, we classify CFH p.Asn1050Tyr (c.3148A>T) as a benign variant.

Blueprint Genetics
Classification: Likely benign. Last evaluated: 2024-11-25. Review status: criteria provided, single submitter. Criteria: ACMG Guidelines, 2015. Collection method: clinical testing. Allele origin: germline.

Genome-Nilou Lab
Classification: Likely benign for Hemolytic uremic syndrome, atypical, susceptibility to, 1. Last evaluated: 2023-04-11. Review status: criteria provided, single submitter. Criteria: ACMG Guidelines, 2015. Collection method: clinical testing. Allele origin: germline. Affected: no.

Genome-Nilou Lab
Classification: Likely benign for Age related macular degeneration 4. Last evaluated: 2023-04-11. Review status: criteria provided, single submitter. Criteria: ACMG Guidelines, 2015. Collection method: clinical testing. Allele origin: germline. Affected: no.

Genome-Nilou Lab
Classification: Likely benign for Basal laminar drusen. Last evaluated: 2023-04-11. Review status: criteria provided, single submitter. Criteria: ACMG Guidelines, 2015. Collection method: clinical testing. Allele origin: germline. Affected: no.

Genome-Nilou Lab
Classification: Likely benign for Factor H deficiency. Last evaluated: 2023-04-11. Review status: criteria provided, single submitter. Criteria: ACMG Guidelines, 2015. Collection method: clinical testing. Allele origin: germline. Affected: no.

Mayo Clinic Laboratories, Mayo Clinic
Classification: Benign. Last evaluated: 2022-11-14. Review status: criteria provided, single submitter. Criteria: ACMG Guidelines, 2015. Collection method: clinical testing. Allele origin: germline. Observed: 184 variant alleles.
Comment: BS1, BS2, BP4

Genome Diagnostics Laboratory, The Hospital for Sick Children
Classification: Likely benign for Atypical hemolytic-uremic syndrome. Last evaluated: 2021-12-06. Review status: criteria provided, single submitter. Criteria: ACMG Guidelines, 2015. Collection method: clinical testing. Allele origin: germline.

Illumina Laboratory Services, Illumina
Classification: Likely benign for Membranoproliferative glomerulonephritis with complement factor h deficiency. Last evaluated: 2017-04-27. Review status: criteria provided, single submitter. Criteria: ICSL Variant Classification Criteria 13 December 2019. Collection method: clinical testing. Allele origin: germline.
Comment: This variant was observed as part of a predisposition screen in an ostensibly healthy population. A literature search was performed for the gene, cDNA change, and amino acid change (where applicable). No publications were found based on this search. Allele frequency data from public databases allowed determination this variant is unlikely to cause disease. Therefore, this variant is classified as likely benign.

Illumina Laboratory Services, Illumina
Classification: Likely benign for Hemolytic uremic syndrome, atypical, susceptibility to, 1. Last evaluated: 2017-04-27. Review status: criteria provided, single submitter. Criteria: ICSL Variant Classification Criteria 13 December 2019. Collection method: clinical testing. Allele origin: germline.
Comment: the same text as in the submission from Illumina Laboratory Services, Illumina above.

Illumina Laboratory Services, Illumina
Classification: Likely benign for Age related macular degeneration 4. Last evaluated: 2017-04-27. Review status: criteria provided, single submitter. Criteria: ICSL Variant Classification Criteria 13 December 2019. Collection method: clinical testing. Allele origin: germline.
Comment: the same text as in the submission from Illumina Laboratory Services, Illumina above.

Illumina Laboratory Services, Illumina
Classification: Likely benign for Basal laminar drusen. Last evaluated: 2017-04-27. Review status: criteria provided, single submitter. Criteria: ICSL Variant Classification Criteria 13 December 2019. Collection method: clinical testing. Allele origin: germline.
Comment: the same text as in the submission from Illumina Laboratory Services, Illumina above.

John Atkinson Laboratory, Washington University School of Medicine in St. Louis
Classification: Likely benign for Thrombotic microangiopathy. Last evaluated: 2015-06-20. Review status: criteria provided, single submitter. Criteria: ACMG Guidelines, 2015. Collection method: clinical testing. Allele origin: germline. Affected: yes.

Breakthrough Genomics
Classification: Likely benign. Review status: criteria provided, single submitter. Criteria: ACMG Guidelines, 2015. Collection method: not provided. Allele origin: germline. Inheritance: Autosomal recessive inheritance. Affected: yes.

Dr. Peter K. Rogan Lab, Western University
No classification provided (evidence only). Condition: Gastric cancer. Review status: no classification provided. Collection method: in vitro. Allele origin: not applicable. Functional consequence: retained intron. Not counted in ClinVar's aggregate classification.

Dr. Peter K. Rogan Lab, Western University
No classification provided (evidence only). Condition: Gastric cancer. Review status: no classification provided. Collection method: in vitro. Allele origin: not applicable. Functional consequence: retained intron. Not counted in ClinVar's aggregate classification.

Dr. Peter K. Rogan Lab, Western University
No classification provided (evidence only). Condition: Adrenocortical carcinoma, hereditary. Review status: no classification provided. Collection method: in vitro. Allele origin: not applicable. Functional consequence: retained intron. Not counted in ClinVar's aggregate classification.

Dr. Peter K. Rogan Lab, Western University
No classification provided (evidence only). Condition: Uterine carcinosarcoma. Review status: no classification provided. Collection method: in vitro. Allele origin: not applicable. Functional consequence: retained intron. Not counted in ClinVar's aggregate classification.

Dr. Peter K. Rogan Lab, Western University
No classification provided (evidence only). Condition: Uterine carcinosarcoma. Review status: no classification provided. Collection method: in vitro. Allele origin: not applicable. Functional consequence: retained intron. Not counted in ClinVar's aggregate classification.

Dr. Peter K. Rogan Lab, Western University
No classification provided (evidence only). Condition: Uveal melanoma. Review status: no classification provided. Collection method: in vitro. Allele origin: not applicable. Functional consequence: retained intron. Not counted in ClinVar's aggregate classification.

Dr. Peter K. Rogan Lab, Western University
No classification provided (evidence only). Condition: Malignant tumor of esophagus. Review status: no classification provided. Collection method: in vitro. Allele origin: not applicable. Functional consequence: retained intron. Not counted in ClinVar's aggregate classification.

Dr. Peter K. Rogan Lab, Western University
No classification provided (evidence only). Condition: Malignant tumor of esophagus. Review status: no classification provided. Collection method: in vitro. Allele origin: not applicable. Functional consequence: retained intron. Not counted in ClinVar's aggregate classification.

Dr. Peter K. Rogan Lab, Western University
No classification provided (evidence only). Condition: Malignant tumor of esophagus. Review status: no classification provided. Collection method: in vitro. Allele origin: not applicable. Functional consequence: retained intron. Not counted in ClinVar's aggregate classification.

Dr. Peter K. Rogan Lab, Western University
No classification provided (evidence only). Condition: Malignant tumor of esophagus. Review status: no classification provided. Collection method: in vitro. Allele origin: not applicable. Functional consequence: retained intron. Not counted in ClinVar's aggregate classification.

Dr. Peter K. Rogan Lab, Western University
No classification provided (evidence only). Condition: Malignant tumor of esophagus. Review status: no classification provided. Collection method: in vitro. Allele origin: not applicable. Functional consequence: retained intron. Not counted in ClinVar's aggregate classification.